The following is an entry in ClinVar:

NM_000494.4(COL17A1):c.1976G>A (p.Gly659Asp)

Gene: COL17A1 (collagen type XVII alpha 1 chain; minus strand). Cytogenetic location: 10q25.1.
Variant type: single nucleotide variant.
Coding change: c.1976G>A on transcript NM_000494.4 (MANE Select); coding-DNA position 1976, G replaced by A.
Protein change: p.Gly659Asp; replaces glycine 659 with aspartic acid.
Molecular consequence: missense variant.
Genome position (GRCh38, 1-based): chr10:104,052,181, C>T on the plus strand (G>A on the coding strand, the complement: COL17A1 is on the minus strand). VCF-style: chr10-104052181-C-T. GRCh37 (hg19) VCF-style: chr10-105811939-C-T.
Other names: short protein forms G659D.
Identifiers: ClinVar variation 3366726 (VCV003366726.1).

ClinVar aggregate classification (germline): Uncertain significance (1 of 4 stars; one submission).

gnomAD v4.1: 1 of 1,614,162 alleles (0.000062%); highest among the groups gnomAD compares: South Asian, 0.0011%; no homozygotes.

Submission:

Women's Health and Genetics/Laboratory Corporation of America, LabCorp
Classification: Uncertain significance. Last evaluated: 2024-08-19. Review status: criteria provided, single submitter. Criteria: LabCorp Variant Classification Summary - May 2015. Collection method: clinical testing. Allele origin: germline.
Comment: Variant summary: COL17A1 c.1976G>A (p.Gly659Asp) results in a non-conservative amino acid change in the encoded protein sequence. Five of five in-silico tools predict a damaging effect of the variant on protein function. The variant allele was found at a frequency of 4e-06 in 251482 control chromosomes (gnomAD). The available data on variant occurrences in the general population are insufficient to allow any conclusion about variant significance. To our knowledge, no occurrence of c.1976G>A in individuals affected with Junctional Epidermolysis Bullosa and no experimental evidence demonstrating its impact on protein function have been reported. No submitters have cited clinical-significance assessments for this variant to ClinVar. Based on the evidence outlined above, the variant was classified as uncertain significance.